The following is an entry in ClinVar:

NM_004656.4(BAP1):c.822C>G (p.His274Gln)

Gene: BAP1 (BRCA1 associated deubiquitinase 1; minus strand). Cytogenetic location: 3p21.1.
Variant type: single nucleotide variant.
Coding change: c.822C>G on transcript NM_004656.4 (MANE Select); coding-DNA position 822, C replaced by G.
Protein change: p.His274Gln; replaces histidine 274 with glutamine.
Molecular consequence: missense variant.
Genome position (GRCh38, 1-based): chr3:52,405,874, G>C on the plus strand (C>G on the coding strand, the complement: BAP1 is on the minus strand). VCF-style: chr3-52405874-G-C. GRCh37 (hg19) VCF-style: chr3-52439890-G-C.
Other names: short protein forms H274Q.
Identifiers: ClinVar variation 490898 (VCV000490898.15), dbSNP rs1553645500, ClinGen allele CA353106859.

ClinVar aggregate classification (germline): Uncertain significance. Review status: criteria provided, multiple submitters, no conflicts (2 of 4 stars). 3 submissions from 3 submitters: Uncertain significance (3). Last evaluated 2023-12-05.

Conditions:
BAP1-related tumor predisposition syndrome (TPDS1). Also called: Tumor susceptibility linked to germline BAP1 mutations; BAP1 tumor predisposition syndrome; COMMON Syndrome; TUMOR PREDISPOSITION SYNDROME 1. Identifiers: Orphanet 289539, MedGen C3280492, MONDO:0013692, OMIM 614327.
Hereditary cancer-predisposing syndrome. Also called: Hereditary Cancer Syndrome; Neoplastic Syndromes, Hereditary; Tumor predisposition; Hereditary neoplastic syndrome. Identifiers: Orphanet 140162, MedGen C0027672, MeSH D009386, MONDO:0015356.

Submissions (3):

Color Diagnostics, LLC DBA Color Health
Classification: Uncertain significance for Hereditary cancer-predisposing syndrome. Last evaluated: 2023-12-05. Review status: criteria provided, single submitter. Criteria: ACMG Guidelines, 2015. Collection method: clinical testing. Allele origin: germline.
Comment: This missense variant replaces histidine with glutamine at codon 274 of the BAP1 protein. Computational prediction suggests that this variant may not impact protein structure and function (internally defined REVEL score threshold <= 0.5, PMID: 27666373). To our knowledge, functional studies have not been reported for this variant. This variant has not been reported in individuals affected with BAP1-related disorders in the literature. This variant has not been identified in the general population by the Genome Aggregation Database (gnomAD). The available evidence is insufficient to determine the role of this variant in disease conclusively. Therefore, this variant is classified as a Variant of Uncertain Significance.

Labcorp Genetics (formerly Invitae), Labcorp
Classification: Uncertain significance for BAP1-related tumor predisposition syndrome. Last evaluated: 2022-03-12. Review status: criteria provided, single submitter. Criteria: Invitae Variant Classification Sherloc (09022015). Collection method: clinical testing. Allele origin: germline.
Comment: In summary, the available evidence is currently insufficient to determine the role of this variant in disease. Therefore, it has been classified as a Variant of Uncertain Significance. Algorithms developed to predict the effect of missense changes on protein structure and function output the following: SIFT: "Tolerated"; PolyPhen-2: "Benign"; Align-GVGD: "Class C0". The glutamine amino acid residue is found in multiple mammalian species, which suggests that this missense change does not adversely affect protein function. ClinVar contains an entry for this variant (Variation ID: 490898). This variant has not been reported in the literature in individuals affected with BAP1-related conditions. This variant is not present in population databases (gnomAD no frequency). This sequence change replaces histidine, which is basic and polar, with glutamine, which is neutral and polar, at codon 274 of the BAP1 protein (p.His274Gln).

Ambry Genetics
Classification: Uncertain significance for Hereditary cancer-predisposing syndrome. Last evaluated: 2019-03-06. Review status: criteria provided, single submitter. Criteria: Ambry Variant Classification Scheme 2023. Collection method: clinical testing. Allele origin: germline.
Comment: The p.H274Q variant (also known as c.822C>G), located in coding exon 10 of the BAP1 gene, results from a C to G substitution at nucleotide position 822. The histidine at codon 274 is replaced by glutamine, an amino acid with highly similar properties. This amino acid position is not well conserved in available vertebrate species. In addition, this alteration is predicted to be tolerated by in silico analysis. Since supporting evidence is limited at this time, the clinical significance of this alteration remains unclear.